The following is an entry in ClinVar:

ClinVar aggregate classification (germline): Pathogenic (1 of 4 stars; one submission).

Allele frequency attached by ClinVar (database versions not stated): gnomAD 0.00001; gnomAD exomes below 0.00001.

Submission:

Labcorp Genetics (formerly Invitae), Labcorp
Classification: Pathogenic. Last evaluated: 2026-01-06. Review status: criteria provided, single submitter. Criteria: Invitae Variant Classification Sherloc (09022015). Collection method: clinical testing. Allele origin: germline.
Comment: This sequence change creates a premature translational stop signal (p.Gln62*) in the NAXE gene. It is expected to result in an absent or disrupted protein product. Loss-of-function variants in NAXE are known to be pathogenic (PMID: 27290639, 27616477, 33798445). This variant is present in population databases (no rsID available, gnomAD 0.007%). This variant has not been reported in the literature in individuals affected with NAXE-related conditions. ClinVar contains an entry for this variant (Variation ID: 2956017). For these reasons, this variant has been classified as Pathogenic.

Literature cited by the submitters: PubMed 27290639; PubMed 27616477; PubMed 33798445.

NM_144772.3(NAXE):c.184C>T (p.Gln62Ter)

Gene: NAXE (NAD(P)HX epimerase; plus strand). Cytogenetic location: 1q22.
Variant type: single nucleotide variant.
Coding change: c.184C>T on transcript NM_144772.3 (MANE Select); coding-DNA position 184, C replaced by T.
Protein change: p.Gln62Ter; replaces glutamine 62 with a stop codon.
Molecular consequence: nonsense.
Genome position (GRCh38, 1-based): chr1:156,592,102, C>T. VCF-style: chr1-156592102-C-T. GRCh37 (hg19) VCF-style: chr1-156561894-C-T.
Other names: short protein forms Q62*.
Identifiers: ClinVar variation 2956017 (VCV002956017.3), dbSNP rs1178037334, ClinGen allele CA342871178.